The following is an entry in ClinVar:

NM_000135.4(FANCA):c.1454C>A (p.Ser485Tyr)

Gene: FANCA (FA complementation group A; minus strand). Cytogenetic location: 16q24.3.
Variant type: single nucleotide variant.
Coding change: c.1454C>A on transcript NM_000135.4 (MANE Select); coding-DNA position 1454, C replaced by A.
Protein change: p.Ser485Tyr; replaces serine 485 with tyrosine.
Molecular consequence: missense variant.
Genome position (GRCh38, 1-based): chr16:89,784,870, G>T on the plus strand (C>A on the coding strand, the complement: FANCA is on the minus strand). VCF-style: chr16-89784870-G-T. GRCh37 (hg19) VCF-style: chr16-89851278-G-T.
Other names: c.1454C>A, p.Ser485Tyr (NM_001286167.3); c.1454C>A (NM_000135.3); short protein forms S485Y.
Identifiers: ClinVar variation 2163691 (VCV002163691.7), dbSNP rs760790832, ClinGen allele CA8252335.
Genomic context (GRCh38, chr16:89,784,870, plus strand): 5'-GAGCGAAGCACCAGAAATCATGGATGTGGCAGCCAGCTTCTCACCTGCAGGTACCGGGGA[G>T]ACTCAAAAGGCACGAGTTCTGACAAGAACGTAAACAGGAAGACCAGGGCCTTCTTGCTGC-3'
Protein context (NP_000126.2, residues 475-495): TFLSELVPFE[Ser485Tyr]PRYLQVHILH

ClinVar aggregate classification (germline): Conflicting classifications of pathogenicity. Review status: criteria provided, conflicting classifications (1 of 4 stars). 4 submissions from 4 submitters: Uncertain significance (3); Likely benign (1). Last evaluated 2025-05-13.

Conditions:
Inborn genetic diseases. Identifiers: MedGen C0950123, MeSH D030342.
Fanconi anemia (FA). Also called: Fanconi's anemia. Identifiers: Orphanet 84, MedGen C0015625, MeSH D005199, MONDO:0019391.
Fanconi anemia complementation group A (FANCA). Also called: FANCA-Related Fanconi Anemia; Fanconi anemia, group A. Identifiers: Orphanet 84, MedGen C3469521, MONDO:0009215, OMIM 227650.

Allele frequency attached by ClinVar (database versions not stated): ExAC 0.00002.
gnomAD v4.1: 4 of 1,613,620 alleles (0.00025%); highest among the groups gnomAD compares: East Asian, 0.0067%; no homozygotes.

Submissions (4):

Quest Diagnostics Nichols Institute San Juan Capistrano
Classification: Uncertain significance. Last evaluated: 2025-05-13. Review status: criteria provided, single submitter. Criteria: Quest Diagnostics criteria. Collection method: clinical testing. Allele origin: unknown.
Comment: The FANCA c.1454C>A (p.Ser485Tyr) variant has not been reported in individuals with FANCA-related conditions in the published literature. The frequency of this variant in the general population (Genome Aggregation Database) is uninformative in the assessment of its pathogenicity. Analysis of this variant using bioinformatics tools for the prediction of the effect of amino acid changes on protein structure and function yielded predictions that this variant is benign. Based on the available information, we are unable to determine the clinical significance of this variant.

Ambry Genetics
Classification: Uncertain significance for Inborn genetic diseases. Last evaluated: 2024-12-20. Review status: criteria provided, single submitter. Criteria: Ambry Variant Classification Scheme 2023. Collection method: clinical testing. Allele origin: germline.
Comment: The p.S485Y variant (also known as c.1454C>A), located in coding exon 15 of the FANCA gene, results from a C to A substitution at nucleotide position 1454. The serine at codon 485 is replaced by tyrosine, an amino acid with dissimilar properties. This amino acid position is conserved. In addition, the in silico prediction for this alteration is inconclusive. Based on the available evidence, the clinical significance of this variant remains unclear.

Labcorp Genetics (formerly Invitae), Labcorp
Classification: Likely benign for Fanconi anemia. Last evaluated: 2024-10-23. Review status: criteria provided, single submitter. Criteria: Invitae Variant Classification Sherloc (09022015). Collection method: clinical testing. Allele origin: germline.

Fulgent Genetics
Classification: Uncertain significance for Fanconi anemia complementation group A. Last evaluated: 2024-05-20. Review status: criteria provided, single submitter. Criteria: ACMG Guidelines, 2015. Collection method: clinical testing. Allele origin: germline.